The following is an entry in ClinVar:

ClinVar aggregate classification (germline): Uncertain significance. Review status: criteria provided, multiple submitters, no conflicts (2 of 4 stars). 2 submissions from 2 submitters: Uncertain significance (2). Last evaluated 2026-01-22.

Conditions:
Leucine-induced hypoglycemia (LIH). Also called: LEUCINE-SENSITIVE HYPOGLYCEMIA OF INFANCY. Identifiers: MedGen C0271714, MONDO:0009415, OMIM 240800.
Diabetes mellitus, transient neonatal, 2 (TNDM2). Identifiers: Orphanet 99886, MedGen C1835887, MONDO:0012480, OMIM 610374. Disease mechanism: loss of function.
Type 2 diabetes mellitus. Also called: Type II diabetes mellitus. Identifiers: MedGen C0011860, MeSH D003924, MONDO:0005148, OMIM 125853, HP:0005978.
Diabetes mellitus, permanent neonatal 3. Also called: ABCC8-Related Permanent Neonatal Diabetes Mellitus. Identifiers: MedGen C5394303, MONDO:0030088, OMIM 618857.
Hyperinsulinemic hypoglycemia, familial, 1 (HHF1). Also called: Persistent hyperinsulinemic hypoglycemia of infancy; HYPERINSULINISM, FAMILIAL, WITH PANCREATIC NESIDIOBLASTOSIS; HYPOGLYCEMIA, HYPERINSULINEMIC, OF INFANCY; NESIDIOBLASTOSIS OF PANCREAS; Persistent Hyperinsulinemia Hypoglycemia of Infancy. Identifiers: Orphanet 276575, Orphanet 276598, MedGen C2931832, MONDO:0009734, OMIM 256450.

Submissions (2):

GeneDx
Classification: Uncertain significance. Last evaluated: 2026-01-22. Review status: criteria provided, single submitter. Criteria: GeneDx Variant Classification Process June 2021. Collection method: clinical testing. Allele origin: germline. Affected: yes.
Comment: Not observed at significant frequency in large population cohorts (gnomAD); In silico analysis supports that this missense variant has a deleterious effect on protein structure/function; Has not been previously published as pathogenic or benign to our knowledge

Fulgent Genetics
Classification: Uncertain significance for Type 2 diabetes mellitus; Leucine-induced hypoglycemia; Hyperinsulinemic hypoglycemia, familial, 1; Diabetes mellitus, transient neonatal, 2; Diabetes mellitus, permanent neonatal 3. Last evaluated: 2024-05-27. Review status: criteria provided, single submitter. Criteria: ACMG Guidelines, 2015. Collection method: clinical testing. Allele origin: germline.

NM_000352.6(ABCC8):c.4498A>G (p.Ser1500Gly)

Gene: ABCC8 (ATP binding cassette subfamily C member 8; minus strand). Cytogenetic location: 11p15.1.
Variant type: single nucleotide variant.
Coding change: c.4498A>G on transcript NM_000352.6 (MANE Select); coding-DNA position 4498, A replaced by G.
Protein change: p.Ser1500Gly; replaces serine 1500 with glycine.
Molecular consequence: missense variant. On other transcripts: non-coding transcript variant (1).
Genome position (GRCh38, 1-based): chr11:17,394,313, T>C on the plus strand (A>G on the coding strand, the complement: ABCC8 is on the minus strand). VCF-style: chr11-17394313-T-C. GRCh37 (hg19) VCF-style: chr11-17415860-T-C.
Other names: c.4501A>G, p.Ser1501Gly (NM_001287174.3); c.4564A>G, p.Ser1522Gly (NM_001351295.2); c.4498A>G, p.Ser1500Gly (NM_001351296.2); c.4495A>G, p.Ser1499Gly (NM_001351297.2); short protein forms S1499G, S1500G, S1501G, S1522G.
Identifiers: ClinVar variation 3371554 (VCV003371554.3).